The following is an entry in ClinVar:

ClinVar aggregate classification (germline): Uncertain significance (1 of 4 stars; one submission).

Submission:

Labcorp Genetics (formerly Invitae), Labcorp
Classification: Uncertain significance. Last evaluated: 2022-03-06. Review status: criteria provided, single submitter. Criteria: Invitae Variant Classification Sherloc (09022015). Collection method: clinical testing. Allele origin: germline.
Comment: This sequence change replaces phenylalanine, which is neutral and non-polar, with leucine, which is neutral and non-polar, at codon 1622 of the NOTCH3 protein (p.Phe1622Leu). This variant is not present in population databases (gnomAD no frequency). This variant has not been reported in the literature in individuals affected with NOTCH3-related conditions. Advanced modeling of protein sequence and biophysical properties (such as structural, functional, and spatial information, amino acid conservation, physicochemical variation, residue mobility, and thermodynamic stability) performed at Invitae indicates that this missense variant is not expected to disrupt NOTCH3 protein function. In summary, the available evidence is currently insufficient to determine the role of this variant in disease. Therefore, it has been classified as a Variant of Uncertain Significance.

NM_000435.3(NOTCH3):c.4864T>C (p.Phe1622Leu)

Gene: NOTCH3 (notch receptor 3; minus strand). Cytogenetic location: 19p13.12.
Variant type: single nucleotide variant.
Coding change: c.4864T>C on transcript NM_000435.3 (MANE Select); coding-DNA position 4864, T replaced by C.
Protein change: p.Phe1622Leu; replaces phenylalanine 1622 with leucine.
Molecular consequence: missense variant.
Genome position (GRCh38, 1-based): chr19:15,170,698, A>G on the plus strand (T>C on the coding strand, the complement: NOTCH3 is on the minus strand). VCF-style: chr19-15170698-A-G. GRCh37 (hg19) VCF-style: chr19-15281509-A-G.
Other names: short protein forms F1622L.
Identifiers: ClinVar variation 2107294 (VCV002107294.4), dbSNP rs2512625465, ClinGen allele CA404498346.